The following is an entry in ClinVar:

NM_002905.5(RDH5):c.752G>A (p.Arg251His)

Genes: BLOC1S1-RDH5 (BLOC1S1-RDH5 readthrough; plus strand), CD63 (CD63 molecule; minus strand), RDH5 (retinol dehydrogenase 5; plus strand). Cytogenetic location: 12q13.2.
Variant type: single nucleotide variant.
Coding change: c.752G>A on transcript NM_002905.5 (MANE Select); coding-DNA position 752, G replaced by A.
Protein change: p.Arg251His; replaces arginine 251 with histidine.
Molecular consequence: missense variant. On other transcripts: non-coding transcript variant (1), 3 prime UTR variant (2).
Genome position (GRCh38, 1-based): chr12:55,724,340, G>A. VCF-style: chr12-55724340-G-A. GRCh37 (hg19) VCF-style: chr12-56118124-G-A.
Other names: c.752G>A, p.Arg251His (NM_001199771.3); c.*724C>T (NM_001413284.1); c.*739C>T (NM_001413285.1); short protein forms R251H.
Identifiers: ClinVar variation 2170103 (VCV002170103.3), dbSNP rs545045941, ClinGen allele CA6616949.
Genomic context (GRCh38, chr12:55,724,340, plus strand): 5'-GTGAGGAAGGGAAACTGATTGCAACCACCTATGGGGCTGCAGACCTGAAAATGCAACAGC[G>A]CATCATGAACCTGATCTGTGACCCGGACCTAACCAAGGTGAGCCGATGCCTGGAGCATGC-3'
Protein context (NP_002896.2, residues 241-261): FLTKYLKMQQ[Arg251His]IMNLICDPDL

ClinVar aggregate classification (germline): Uncertain significance. Review status: criteria provided, multiple submitters, no conflicts (2 of 4 stars). 2 submissions from 2 submitters: Uncertain significance (2). Last evaluated 2024-07-15.

Conditions:
Inborn genetic diseases. Identifiers: MedGen C0950123, MeSH D030342.

Allele frequency attached by ClinVar (database versions not stated): ExAC 0.00001; TOPMed 0.00002; gnomAD 0.00003.
gnomAD v4.1: 29 of 1,614,172 alleles (0.0018%); highest among the groups gnomAD compares: Middle Eastern, 0.016%; no homozygotes.

Submissions (2):

Ambry Genetics
Classification: Uncertain significance for Inborn genetic diseases. Last evaluated: 2024-07-15. Review status: criteria provided, single submitter. Criteria: Ambry Variant Classification Scheme 2023. Collection method: clinical testing. Allele origin: germline.

Labcorp Genetics (formerly Invitae), Labcorp
Classification: Uncertain significance. Last evaluated: 2022-11-23. Review status: criteria provided, single submitter. Criteria: Invitae Variant Classification Sherloc (09022015). Collection method: clinical testing. Allele origin: germline.
Comment: This sequence change replaces arginine, which is basic and polar, with histidine, which is basic and polar, at codon 251 of the RDH5 protein (p.Arg251His). In summary, the available evidence is currently insufficient to determine the role of this variant in disease. Therefore, it has been classified as a Variant of Uncertain Significance. Algorithms developed to predict the effect of missense changes on protein structure and function output the following: SIFT: "Tolerated"; PolyPhen-2: "Benign"; Align-GVGD: "Class C0". The histidine amino acid residue is found in multiple mammalian species, which suggests that this missense change does not adversely affect protein function. This variant has not been reported in the literature in individuals affected with RDH5-related conditions. This variant is present in population databases (rs545045941, gnomAD 0.006%).